The following is an entry in ClinVar:

ClinVar aggregate classification (germline): Uncertain significance (1 of 4 stars; one submission).

Conditions:
RFT1-congenital disorder of glycosylation (CDG1N). Also called: RFT1-CDG; Congenital disorder of glycosylation type In; CDG In. Identifiers: Orphanet 244310, MedGen C2677590, MONDO:0012783, OMIM 612015.

gnomAD v4.1: 1 of 1,612,916 alleles (0.000062%); highest among the groups gnomAD compares: African/African-American, 0.0013%; no homozygotes.

Submission:

Labcorp Genetics (formerly Invitae), Labcorp
Classification: Uncertain significance for RFT1-congenital disorder of glycosylation. Last evaluated: 2021-07-26. Review status: criteria provided, single submitter. Criteria: Invitae Variant Classification Sherloc (09022015). Collection method: clinical testing. Allele origin: germline.
Comment: This variant is not present in population databases (ExAC no frequency). In summary, the available evidence is currently insufficient to determine the role of this variant in disease. Therefore, it has been classified as a Variant of Uncertain Significance. Algorithms developed to predict the effect of missense changes on protein structure and function are either unavailable or do not agree on the potential impact of this missense change (SIFT: "Tolerated"; PolyPhen-2: "Probably Damaging"; Align-GVGD: "Class C0"). This variant has not been reported in the literature in individuals affected with RFT1-related conditions. This sequence change replaces threonine with lysine at codon 52 of the RFT1 protein (p.Thr52Lys). The threonine residue is highly conserved and there is a moderate physicochemical difference between threonine and lysine.

NM_052859.4(RFT1):c.155C>A (p.Thr52Lys)

Gene: RFT1 (RFT1 glycolipid translocator homolog; minus strand). Cytogenetic location: 3p21.1.
Variant type: single nucleotide variant.
Coding change: c.155C>A on transcript NM_052859.4 (MANE Select); coding-DNA position 155, C replaced by A.
Protein change: p.Thr52Lys; replaces threonine 52 with lysine.
Molecular consequence: missense variant.
Genome position (GRCh38, 1-based): chr3:53,123,835, G>T on the plus strand (C>A on the coding strand, the complement: RFT1 is on the minus strand). VCF-style: chr3-53123835-G-T. GRCh37 (hg19) VCF-style: chr3-53157851-G-T.
Other names: short protein forms T52K.
Identifiers: ClinVar variation 1476305 (VCV001476305.8), dbSNP rs764531159, ClinGen allele CA74814391.
Genomic context (GRCh38, chr3:53,123,835, plus strand): 5'-CTGAGACATGCTCTGCGGAAGGCCTCTCTGGCCAGGAAGAGGGTGGTTGAGTAAAGCAGC[G>T]TTAGTCTGTAAATGAAAGGGAGAAATCAATAAGGTCTCAAGTTTTTTCATAGAGAGAACT-3'
Protein context (NP_443091.1, residues 42-62): EIVGVVNVRL[Thr52Lys]LLYSTTLFLA